The following is an entry in ClinVar:

NM_006393.3(NEBL):c.834T>A (p.Asp278Glu)

Gene: NEBL (nebulette; minus strand). Cytogenetic location: 10p12.31.
Variant type: single nucleotide variant.
Coding change: c.834T>A on transcript NM_006393.3 (MANE Select); coding-DNA position 834, T replaced by A.
Protein change: p.Asp278Glu; replaces aspartic acid 278 with glutamic acid.
Molecular consequence: missense variant. On other transcripts: intron variant (9).
Genome position (GRCh38, 1-based): chr10:20,858,309, A>T on the plus strand (T>A on the coding strand, the complement: NEBL is on the minus strand). VCF-style: chr10-20858309-A-T. GRCh37 (hg19) VCF-style: chr10-21147238-A-T.
Other names: c.250-45369T>A (NM_001377326.1, NM_001377327.1, NM_001377328.1); c.358-45369T>A (NM_213569.2, NM_001173484.2, NM_001377322.1); c.301-45369T>A (NM_001377324.1); c.292-45369T>A (NM_001377325.1); c.310-45369T>A (NM_001377323.1); short protein forms D278E.
Identifiers: ClinVar variation 961941 (VCV000961941.10), dbSNP rs562939997, ClinGen allele CA5433080.

ClinVar aggregate classification (germline): Uncertain significance (1 of 4 stars; one submission).

Conditions:
Primary dilated cardiomyopathy (DCM). Also called: Dilated Cardiomyopathy. Identifiers: Orphanet 217604, MedGen C0007193, MeSH D002311, MONDO:0005021, HP:0001644. Inheritance: Various modes of inheritance.

Allele frequency attached by ClinVar (database versions not stated): TOPMed below 0.00001; ExAC 0.00001; gnomAD 0.00001 and 0.00003; gnomAD exomes 0.00001; 1000 Genomes Project 30x 0.00016; 1000 Genomes Project 0.00020.
gnomAD v4.1: 7 of 1,609,946 alleles (0.00043%); highest among the groups gnomAD compares: East Asian, 0.013%; no homozygotes.

Submission:

Labcorp Genetics (formerly Invitae), Labcorp
Classification: Uncertain significance for Primary dilated cardiomyopathy. Last evaluated: 2023-12-03. Review status: criteria provided, single submitter. Criteria: Invitae Variant Classification Sherloc (09022015). Collection method: clinical testing. Allele origin: germline.
Comment: This sequence change replaces aspartic acid, which is acidic and polar, with glutamic acid, which is acidic and polar, at codon 278 of the NEBL protein (p.Asp278Glu). This variant is present in population databases (rs562939997, gnomAD 0.01%). This variant has not been reported in the literature in individuals affected with NEBL-related conditions. ClinVar contains an entry for this variant (Variation ID: 961941). Algorithms developed to predict the effect of missense changes on protein structure and function output the following: SIFT: "Not Available"; PolyPhen-2: "Benign"; Align-GVGD: "Not Available". The glutamic acid amino acid residue is found in multiple mammalian species, which suggests that this missense change does not adversely affect protein function. In summary, the available evidence is currently insufficient to determine the role of this variant in disease. Therefore, it has been classified as a Variant of Uncertain Significance.